The following is an entry in ClinVar:

NM_003803.4(MYOM1):c.1803C>T (p.Pro601=)

Gene: MYOM1 (myomesin 1; minus strand). Cytogenetic location: 18p11.31.
Variant type: single nucleotide variant.
Coding change: c.1803C>T on transcript NM_003803.4 (MANE Select); coding-DNA position 1803, C replaced by T.
Protein change: p.Pro601=; no amino-acid change (proline 601 retained).
Molecular consequence: synonymous variant.
Genome position (GRCh38, 1-based): chr18:3,151,734, G>A on the plus strand (C>T on the coding strand, the complement: MYOM1 is on the minus strand). VCF-style: chr18-3151734-G-A. GRCh37 (hg19) VCF-style: chr18-3151732-G-A.
Other names: c.1803C>T, p.Pro601= (NM_019856.2).
Identifiers: ClinVar variation 226804 (VCV000226804.20), dbSNP rs371861150, ClinGen allele CA8874850.
Genomic context (GRCh38, chr18:3,151,734, plus strand): 5'-GAAAAATGAAAAGTGCTTACTTTTAAGTCTAGCTTTCTCAGCCGGATCCAGAGCAGCCAC[G>A]GGCTCGGAAACTCGAGATGGGAAACCTATTCCCATTTTATTCACAGCTCGAACTCGGAAG-3'
Protein context (NP_003794.3, residues 591-611): GIGFPSRVSE[Pro601=]VAALDPAEKA

ClinVar aggregate classification (germline): Benign/Likely benign. Review status: criteria provided, multiple submitters, no conflicts (2 of 4 stars). 4 submissions from 4 submitters: Benign (2); Likely benign (1). 1 of the submissions does not count toward it. Last evaluated 2026-01-28.

Conditions:
MYOM1-related disorder.
Hypertrophic cardiomyopathy. Also called: HYPERTROPHIC MYOCARDIOPATHY. Identifiers: Orphanet 217569, MedGen C0007194, MeSH D002312, MONDO:0005045, HP:0001639.

Allele frequency attached by ClinVar (database versions not stated): 1000 Genomes Project 30x 0.00016; gnomAD 0.00153 and 0.00141; gnomAD exomes 0.00028; ExAC 0.00030; ESP Exome Variant Server 0.00141; TOPMed 0.00144; 1000 Genomes Project 0.00020.
gnomAD v4.1: 392 of 1,613,720 alleles (0.024%); highest among the groups gnomAD compares: African/African-American, 0.46%; 2 homozygotes.

Submissions (4):

Labcorp Genetics (formerly Invitae), Labcorp
Classification: Benign for Hypertrophic cardiomyopathy. Last evaluated: 2026-01-28. Review status: criteria provided, single submitter. Criteria: Invitae Variant Classification Sherloc (09022015). Collection method: clinical testing. Allele origin: germline.

Ambry Genetics
Classification: Likely benign. Last evaluated: 2022-02-12. Review status: criteria provided, single submitter. Criteria: Ambry Variant Classification Scheme 2023. Collection method: clinical testing. Allele origin: germline.

Laboratory for Molecular Medicine, Mass General Brigham Personalized Medicine
Classification: Benign. Last evaluated: 2014-11-24. Review status: criteria provided, single submitter. Criteria: LMM Criteria. Collection method: clinical testing. Allele origin: germline. Observed: 3 variant alleles.
Comment: Pro601Pro in exon 12 of MYOM1: This variant is not expected to have clinical sig nificance because it does not alter an amino acid residue and is not located wit hin the splice consensus sequence. It has been identified in 0.4% (17/3778) of A frican American chromosomes from a broad population by the NHLBI Exome Sequencin g Project.

PreventionGenetics, part of Exact Sciences
Classification: Likely benign for MYOM1-related condition. Last evaluated: 2019-03-12. Review status: no assertion criteria provided. Collection method: clinical testing. Allele origin: germline. Not counted in ClinVar's aggregate classification.
Comment: This variant is classified as likely benign based on ACMG/AMP sequence variant interpretation guidelines (Richards et al. 2015 PMID: 25741868, with internal and published modifications).